The following is an entry in ClinVar:

NC_000015.9:g.(?_42694952)_(42698151_?)del

Gene: CAPN3 (calpain 3; plus strand). Cytogenetic location: 15q15.1.
Variant type: Deletion.
Identifiers: ClinVar variation 2422296 (VCV002422296.6).

ClinVar aggregate classification (germline): Pathogenic (1 of 4 stars; one submission).

Conditions:
Autosomal recessive limb-girdle muscular dystrophy type 2A (LGMDR1). Also called: Limb-girdle muscular dystrophy, type 2A; Calpainopathy; Muscular dystrophy, limb-girdle, type 2A, Amish; LEYDEN-MOEBIUS MUSCULAR DYSTROPHY; MUSCULAR DYSTROPHY, PELVOFEMORAL. Identifiers: Orphanet 267, MedGen C1869123, MONDO:0009675, OMIM 253600. Disease mechanism: loss of function.

Submission:

Labcorp Genetics (formerly Invitae), Labcorp
Classification: Pathogenic for Autosomal recessive limb-girdle muscular dystrophy type 2A. Last evaluated: 2021-11-08. Review status: criteria provided, single submitter. Criteria: Invitae Variant Classification Sherloc (09022015). Collection method: clinical testing. Allele origin: germline.
Comment: This variant is a gross deletion of the genomic region encompassing exon(s) 13-15 of the CAPN3 gene. This variant would be expected to be in-frame, preserving the integrity of the reading frame. This variant has not been reported in the literature in individuals affected with CAPN3-related conditions. This variant disrupts a region of the CAPN3 protein in which other variant(s) (p.Arg541Trp) have been determined to be pathogenic (PMID: 16100770, 18854869, 19556129). This suggests that this is a clinically significant region of the protein, and that variants that disrupt it are likely to be disease-causing. For these reasons, this variant has been classified as Pathogenic.

Literature cited by the submitters: PubMed 16100770; PubMed 18854869; PubMed 19556129.